The following is an entry in ClinVar:

ClinVar aggregate classification (germline): Uncertain significance. Review status: criteria provided, multiple submitters, no conflicts (2 of 4 stars). 2 submissions from 2 submitters: Uncertain significance (2). Last evaluated 2024-07-30.

Conditions:
Granulomatous disease, chronic, autosomal recessive, cytochrome b-negative. Also called: CGD DUE TO DEFICIENCY OF THE ALPHA SUBUNIT OF CYTOCHROME b; CGD, AUTOSOMAL RECESSIVE CYTOCHROME b-NEGATIVE; CYBA DEFICIENCY; GRANULOMATOUS DISEASE, CHRONIC, AUTOSOMAL RECESSIVE, 4; Chronic granulomatous disease, autosomal, due to deficiency of CYBA. Identifiers: Orphanet 379, MedGen C1856255, MONDO:0009308, OMIM 233690.

Allele frequency attached by ClinVar (database versions not stated): TOPMed 0.00002; gnomAD 0.00004.

Submissions (2):

Blueprint Genetics
Classification: Uncertain significance. Last evaluated: 2024-07-30. Review status: criteria provided, single submitter. Criteria: ACMG Guidelines, 2015. Collection method: clinical testing. Allele origin: germline.

Labcorp Genetics (formerly Invitae), Labcorp
Classification: Uncertain significance for Granulomatous disease, chronic, autosomal recessive, cytochrome b-negative. Last evaluated: 2021-09-01. Review status: criteria provided, single submitter. Criteria: Invitae Variant Classification Sherloc (09022015). Collection method: clinical testing. Allele origin: germline.
Comment: This sequence change replaces proline with leucine at codon 160 of the CYBA protein (p.Pro160Leu). The proline residue is highly conserved and there is a moderate physicochemical difference between proline and leucine. The frequency data for this variant in the population databases is considered unreliable, as metrics indicate insufficient coverage at this position in the ExAC database. This variant has not been reported in the literature in individuals affected with CYBA-related conditions. Algorithms developed to predict the effect of missense changes on protein structure and function are either unavailable or do not agree on the potential impact of this missense change (SIFT: "Deleterious"; PolyPhen-2: "Probably Damaging"; Align-GVGD: "Class C0"). In summary, the available evidence is currently insufficient to determine the role of this variant in disease. Therefore, it has been classified as a Variant of Uncertain Significance.

NM_000101.4(CYBA):c.479C>T (p.Pro160Leu)

Gene: CYBA (cytochrome b-245 alpha chain; minus strand). Cytogenetic location: 16q24.2.
Variant type: single nucleotide variant.
Coding change: c.479C>T on transcript NM_000101.4 (MANE Select); coding-DNA position 479, C replaced by T.
Protein change: p.Pro160Leu; replaces proline 160 with leucine.
Molecular consequence: missense variant.
Genome position (GRCh38, 1-based): chr16:88,643,462, G>A on the plus strand (C>T on the coding strand, the complement: CYBA is on the minus strand). VCF-style: chr16-88643462-G-A. GRCh37 (hg19) VCF-style: chr16-88709870-G-A.
Other names: short protein forms P160L.
Identifiers: ClinVar variation 2190230 (VCV002190230.2), dbSNP rs1247886457, ClinGen allele CA397057004.
Genomic context (GRCh38, chr16:88,643,462, plus strand): 5'-GGGGGTCCCCCCGCCGCCACCGCAGCCTCCTCCTCGCTGGGCTTCTTGCGGGCCTCGGCC[G>A]GGGGCCGCGGCGGGGGGTTGCTGGGCGGCTGCTTGATGGTGCCTCCGATCTGCGGCCGCT-3'
Protein context (NP_000092.2, residues 150-170): QPPSNPPPRP[Pro160Leu]AEARKKPSEE